The following is an entry in ClinVar:

NM_000059.4(BRCA2):c.3451_3454del (p.Thr1150_Ile1151insTer)

Gene: BRCA2 (BRCA2 DNA repair associated; plus strand). Cytogenetic location: 13q13.1.
Variant type: Deletion.
Coding change: c.3451_3454del on transcript NM_000059.4 (MANE Select); coding-DNA positions 3451 to 3454, 4 bases deleted (ATCT; older notation c.3451_3454delATCT).
Protein change: p.Thr1150_Ile1151insTer.
Molecular consequence: nonsense.
Genome position (GRCh38, 1-based): chr13:32,337,806-32,337,809, ATCT deleted; deleting any 4 consecutive bases within chr13:32,337,804-32,337,809 gives the same sequence; the c. name uses the placement nearest the transcript's 3' end. VCF-style (leftmost placement, unchanged base first): chr13-32337803-ACTAT-A. GRCh37 (hg19) VCF-style: chr13-32911940-ACTAT-A.
Identifiers: ClinVar variation 1210127 (VCV001210127.3), dbSNP rs2137496671, ClinGen allele CA2499222133.

ClinVar aggregate classification (germline): Likely pathogenic (0 of 4 stars; one submission).

Conditions:
Breast carcinoma. Also called: Carcinoma of breast. Identifiers: MedGen C0678222, MONDO:0004989, HP:0003002.

Submission:

Medical Genetics Laboratory, Umraniye Training and Research Hospital, University of Health Sciences
Classification: Likely pathogenic for Breast carcinoma. Last evaluated: 2021-08-23. Review status: no assertion criteria provided. Collection method: clinical testing. Allele origin: germline. Affected: yes. Observed: 1 variant allele, 1 heterozygote.
Comment: Invasive Ductal Carcinoma Estrogen Receptor: Positive Progesterone Receptor: Positive HER2 Receptor: Positive